The following is an entry in ClinVar:

NM_001277115.2(DNAH11):c.13162+1G>C

Gene: DNAH11 (dynein axonemal heavy chain 11; plus strand). Cytogenetic location: 7p15.3.
Variant type: single nucleotide variant.
Coding change: c.13162+1G>C on transcript NM_001277115.2 (MANE Select); the canonical splice donor site of the intron after coding-DNA position 13162, G replaced by C.
Molecular consequence: splice donor variant.
Genome position (GRCh38, 1-based): chr7:21,899,449, G>C. VCF-style: chr7-21899449-G-C. GRCh37 (hg19) VCF-style: chr7-21939067-G-C.
Identifiers: ClinVar variation 3625486 (VCV003625486.2).

ClinVar aggregate classification (germline): Likely pathogenic (1 of 4 stars; one submission).

Conditions:
Primary ciliary dyskinesia. Also called: Ciliary dyskinesia. Identifiers: Orphanet 244, MedGen C0008780, MONDO:0016575, HP:0012265.

gnomAD v4.1: 1 of 1,611,642 alleles (0.000062%); highest among the groups gnomAD compares: Non-Finnish European, 0.000085%; no homozygotes.

Submission:

Labcorp Genetics (formerly Invitae), Labcorp
Classification: Likely pathogenic for Primary ciliary dyskinesia. Last evaluated: 2024-12-16. Review status: criteria provided, single submitter. Criteria: Invitae Variant Classification Sherloc (09022015). Collection method: clinical testing. Allele origin: germline.
Comment: This sequence change affects a donor splice site in intron 80 of the DNAH11 gene. It is expected to disrupt RNA splicing. Variants that disrupt the donor or acceptor splice site typically lead to a loss of protein function (PMID: 16199547), and loss-of-function variants in DNAH11 are known to be pathogenic (PMID: 18022865, 20513915, 22184204). This variant is present in population databases (no rsID available, gnomAD 0.0009%). This variant has not been reported in the literature in individuals affected with DNAH11-related conditions. Algorithms developed to predict the effect of sequence changes on RNA splicing suggest that this variant may disrupt the consensus splice site. In summary, the currently available evidence indicates that the variant is pathogenic, but additional data are needed to prove that conclusively. Therefore, this variant has been classified as Likely Pathogenic.

Literature cited by the submitters: PubMed 16199547; PubMed 18022865; PubMed 20513915; PubMed 22184204.